The following is an entry in ClinVar:

ClinVar aggregate classification (germline): Uncertain significance (1 of 4 stars; one submission).

Conditions:
Ataxia-telangiectasia-like disorder (ATLD). Identifiers: MedGen C1858391, MONDO:0011457.

Submission:

Labcorp Genetics (formerly Invitae), Labcorp
Classification: Uncertain significance for Ataxia-telangiectasia-like disorder. Last evaluated: 2016-11-09. Review status: criteria provided, single submitter. Criteria: Invitae Variant Classification Sherloc (09022015). Collection method: clinical testing. Allele origin: germline.
Comment: This sequence change replaces glutamic acid with glycine at codon 600 of the MRE11A protein (p.Glu600Gly). The glutamic acid residue is weakly conserved and there is a moderate physicochemical difference between glutamic acid and glycine. This variant is not present in population databases (ExAC no frequency) and has not been reported in the literature in individuals with a MRE11A-related disease. Algorithms developed to predict the effect of missense changes on protein structure and function (SIFT, PolyPhen-2, Align-GVGD) all suggest that this variant is likely to be tolerated, but these predictions have not been confirmed by published functional studies. In summary, this variant is a novel missense change that is not predicted to affect protein function. There is no indication that it causes disease, but the available evidence is currently insufficient to prove that conclusively. Therefore, it has been classified as a Variant of Uncertain Significance.

NM_005591.4(MRE11):c.1799A>G (p.Glu600Gly)

Gene: MRE11 (MRE11 double strand break repair nuclease; minus strand). Cytogenetic location: 11q21.
Variant type: single nucleotide variant.
Coding change: c.1799A>G on transcript NM_005591.4 (MANE Select); coding-DNA position 1799, A replaced by G.
Protein change: p.Glu600Gly; replaces glutamic acid 600 with glycine.
Molecular consequence: missense variant. On other transcripts: intron variant (1).
Genome position (GRCh38, 1-based): chr11:94,445,878, T>C on the plus strand (A>G on the coding strand, the complement: MRE11 is on the minus strand). VCF-style: chr11-94445878-T-C. GRCh37 (hg19) VCF-style: chr11-94179044-T-C.
Other names: c.1796A>G, p.Glu599Gly (NM_001330347.2); c.1783+1341A>G (NM_005590.4); short protein forms E600G, E599G.
Identifiers: ClinVar variation 407887 (VCV000407887.10), dbSNP rs1060501786, ClinGen allele CA16613441.